The following is an entry in ClinVar:

ClinVar aggregate classification (germline): Uncertain significance (1 of 4 stars; one submission).

Conditions:
Developmental and epileptic encephalopathy, 53. Also called: Epileptic encephalopathy, early infantile, 53. Identifiers: MedGen C4479313, MONDO:0033362, OMIM 617389.
Early-onset Parkinson disease 20. Also called: PARKINSON DISEASE 20, AUTOSOMAL RECESSIVE EARLY-ONSET. Identifiers: Orphanet 391411, MedGen C3809824, MONDO:0014233, OMIM 615530.

Allele frequency attached by ClinVar (database versions not stated): gnomAD exomes below 0.00001; gnomAD 0.00001; TOPMed 0.00002.

Submission:

Labcorp Genetics (formerly Invitae), Labcorp
Classification: Uncertain significance for Developmental and epileptic encephalopathy, 53; Early-onset Parkinson disease 20. Last evaluated: 2022-03-19. Review status: criteria provided, single submitter. Criteria: Invitae Variant Classification Sherloc (09022015). Collection method: clinical testing. Allele origin: germline.
Comment: In summary, the available evidence is currently insufficient to determine the role of this variant in disease. Therefore, it has been classified as a Variant of Uncertain Significance. Algorithms developed to predict the effect of missense changes on protein structure and function are either unavailable or do not agree on the potential impact of this missense change (SIFT: "Deleterious"; PolyPhen-2: "Probably Damaging"; Align-GVGD: "Class C0"). ClinVar contains an entry for this variant (Variation ID: 1052149). This variant has not been reported in the literature in individuals affected with SYNJ1-related conditions. This variant is not present in population databases (gnomAD no frequency). This sequence change replaces arginine, which is basic and polar, with histidine, which is basic and polar, at codon 496 of the SYNJ1 protein (p.Arg496His).

NM_203446.3(SYNJ1):c.1370G>A (p.Arg457His)

Gene: SYNJ1 (synaptojanin 1; minus strand). Cytogenetic location: 21q22.11.
Variant type: single nucleotide variant.
Coding change: c.1370G>A on transcript NM_203446.3 (MANE Select); coding-DNA position 1370, G replaced by A.
Protein change: p.Arg457His; replaces arginine 457 with histidine.
Molecular consequence: missense variant.
Genome position (GRCh38, 1-based): chr21:32,678,785, C>T on the plus strand (G>A on the coding strand, the complement: SYNJ1 is on the minus strand). VCF-style: chr21-32678785-C-T. GRCh37 (hg19) VCF-style: chr21-34051095-C-T.
Other names: c.1370G>A, p.Arg457His (NM_001160302.2); c.1379G>A, p.Arg460His (NM_001160306.2); c.1487G>A, p.Arg496His (NM_003895.4); short protein forms R457H, R460H, R496H.
Identifiers: ClinVar variation 1052149 (VCV001052149.11), dbSNP rs1453138219, ClinGen allele CA410089582.